The following is an entry in ClinVar:

NM_016203.4(PRKAG2):c.619T>C (p.Ser207Pro)

Gene: PRKAG2 (protein kinase AMP-activated non-catalytic subunit gamma 2; minus strand). Cytogenetic location: 7q36.1.
Variant type: single nucleotide variant.
Coding change: c.619T>C on transcript NM_016203.4 (MANE Select); coding-DNA position 619, T replaced by C.
Protein change: p.Ser207Pro; replaces serine 207 with proline.
Molecular consequence: missense variant. On other transcripts: intron variant (5).
Genome position (GRCh38, 1-based): chr7:151,675,485, A>G on the plus strand (T>C on the coding strand, the complement: PRKAG2 is on the minus strand). VCF-style: chr7-151675485-A-G. GRCh37 (hg19) VCF-style: chr7-151372571-A-G.
Other names: c.487T>C, p.Ser163Pro (NM_001040633.2, NM_001407024.1, NM_001407026.1 and 1 more transcripts); c.247T>C, p.Ser83Pro (NM_001304527.2, NM_001363698.2, NM_001407028.1 and 1 more transcripts); c.619T>C, p.Ser207Pro (NM_001407021.1, NM_001407022.1, NM_001407023.1); c.301T>C, p.Ser101Pro (NM_001407032.1); c.467-80034T>C (NM_001407031.1); c.467-80031T>C (NM_001407030.1); c.361-43347T>C (NM_001407033.1); c.94+60415T>C (NM_001407037.1); and 1 more; short protein forms S101P, S163P, S207P, S83P.
Identifiers: ClinVar variation 3387536 (VCV003387536.3).
Genomic context (GRCh38, chr7:151,675,485, plus strand): 5'-TGGAGGGAGCATAGTGTGTCGGTGATGCCAGTGGAGGCCTGGTCGGGCTCTGGAAGGAAG[A>G]CGGGCAGAACCTCTGCCCTGTGTCCGGGGGGGAAGACGAGGCATAGATGCGATTCTCTAA-3'
Protein context (NP_057287.2, residues 197-217): PPDTGQRFCP[Ser207Pro]SFQSPTRPPL

ClinVar aggregate classification (germline): Uncertain significance. Review status: criteria provided, multiple submitters, no conflicts (2 of 4 stars). 2 submissions from 2 submitters: Uncertain significance (2). Last evaluated 2024-08-06.

Conditions:
Hypertrophic cardiomyopathy. Also called: HYPERTROPHIC MYOCARDIOPATHY. Identifiers: Orphanet 217569, MedGen C0007194, MeSH D002312, MONDO:0005045, HP:0001639.
Lethal congenital glycogen storage disease of heart. Also called: GLYCOGEN STORAGE DISEASE OF HEART; PHOSPHORYLASE KINASE DEFICIENCY OF HEART. Identifiers: Orphanet 439854, MedGen C1849813, MONDO:0009867, OMIM 261740.

Submissions (2):

All of Us Research Program, National Institutes of Health
Classification: Uncertain significance for Hypertrophic cardiomyopathy. Last evaluated: 2024-08-06. Review status: criteria provided, single submitter. Criteria: ACMG Guidelines, 2015. Collection method: clinical testing. Allele origin: germline. Inheritance: Autosomal dominant inheritance. Observed: 1 variant allele, 1 heterozygote.
Comment: This study involves interpretation of variants in research participants for the purpose of population health screening. Participant phenotype was not available at the time of variant classification. Additional details can be found in publication PMID: 35346344, PMCID: PMC8962531

Labcorp Genetics (formerly Invitae), Labcorp
Classification: Uncertain significance for Lethal congenital glycogen storage disease of heart. Last evaluated: 2024-06-11. Review status: criteria provided, single submitter. Criteria: Invitae Variant Classification Sherloc (09022015). Collection method: clinical testing. Allele origin: germline.
Comment: This sequence change replaces serine, which is neutral and polar, with proline, which is neutral and non-polar, at codon 207 of the PRKAG2 protein (p.Ser207Pro). This variant is not present in population databases (gnomAD no frequency). This variant has not been reported in the literature in individuals affected with PRKAG2-related conditions. Advanced modeling of protein sequence and biophysical properties (such as structural, functional, and spatial information, amino acid conservation, physicochemical variation, residue mobility, and thermodynamic stability) performed at Invitae indicates that this missense variant is not expected to disrupt PRKAG2 protein function with a negative predictive value of 95%. In summary, the available evidence is currently insufficient to determine the role of this variant in disease. Therefore, it has been classified as a Variant of Uncertain Significance.